The following is an entry in ClinVar:

NM_000350.3(ABCA4):c.853C>T (p.Gln285Ter)

Gene: ABCA4 (ATP binding cassette subfamily A member 4; minus strand). Cytogenetic location: 1p22.1.
Variant type: single nucleotide variant.
Coding change: c.853C>T on transcript NM_000350.3 (MANE Select); coding-DNA position 853, C replaced by T.
Protein change: p.Gln285Ter; replaces glutamine 285 with a stop codon.
Molecular consequence: nonsense.
Genome position (GRCh38, 1-based): chr1:94,083,357, G>A on the plus strand (C>T on the coding strand, the complement: ABCA4 is on the minus strand). VCF-style: chr1-94083357-G-A. GRCh37 (hg19) VCF-style: chr1-94548913-G-A.
Other names: c.853C>T, p.Gln285Ter (NM_001425324.1); short protein forms Q285*.
Identifiers: ClinVar variation 280811 (VCV000280811.12), dbSNP rs886041951, ClinGen allele CA10602780.
Genomic context (GRCh38, chr1:94,083,357, plus strand): 5'-GGTAAATGGTGGAAAGACATAATGAAATTATAATTACTACCATCAGGCTACTCACCTCTT[G>A]AATTCTTGGTGACATATCAGATAATATTCCTCCCCAAGATCTCAGATTGATACCTTGAGA-3'

ClinVar aggregate classification (germline): Pathogenic. Review status: criteria provided, multiple submitters, no conflicts (2 of 4 stars). 3 submissions from 3 submitters: Pathogenic (3). Last evaluated 2025-03-05.

Conditions:
ABCA4-related disorder. Also called: ABCA4-related condition; ABCA4-related disorders. Identifiers: MedGen CN239167.

gnomAD v4.1: 2 of 1,607,874 alleles (0.00012%); highest among the groups gnomAD compares: Non-Finnish European, 0.00017%; no homozygotes.

Submissions (3):

Labcorp Genetics (formerly Invitae), Labcorp
Classification: Pathogenic. Last evaluated: 2025-03-05. Review status: criteria provided, single submitter. Criteria: Invitae Variant Classification Sherloc (09022015). Collection method: clinical testing. Allele origin: germline.
Comment: This sequence change creates a premature translational stop signal (p.Gln285*) in the ABCA4 gene. It is expected to result in an absent or disrupted protein product. Loss-of-function variants in ABCA4 are known to be pathogenic (PMID: 10958761, 24938718, 25312043, 26780318). This variant is not present in population databases (gnomAD no frequency). This variant has not been reported in the literature in individuals affected with ABCA4-related conditions. ClinVar contains an entry for this variant (Variation ID: 280811). For these reasons, this variant has been classified as Pathogenic.

GeneDx
Classification: Pathogenic. Last evaluated: 2024-08-21. Review status: criteria provided, single submitter. Criteria: GeneDx Variant Classification Process June 2021. Collection method: clinical testing. Allele origin: germline. Affected: yes.
Comment: Nonsense variant predicted to result in protein truncation or nonsense mediated decay in a gene for which loss of function is a known mechanism of disease; Not observed at significant frequency in large population cohorts (gnomAD); This variant is associated with the following publications: (PMID: 35120629, 28005406, 11379881)

Blueprint Genetics
Classification: Pathogenic for ABCA4-related disorders. Last evaluated: 2022-03-24. Review status: criteria provided, single submitter. Criteria: ACMG Guidelines, 2015. Collection method: clinical testing. Allele origin: germline. Affected: yes. Observed: 4 variant alleles.

Literature cited by the submitters: PubMed 10958761 (cited by Labcorp Genetics (formerly Invitae), Labcorp); PubMed 24938718 (cited by Labcorp Genetics (formerly Invitae), Labcorp); PubMed 25312043 (cited by Labcorp Genetics (formerly Invitae), Labcorp); PubMed 26780318 (cited by Labcorp Genetics (formerly Invitae), Labcorp).